The following is an entry in ClinVar:

NM_001458.5(FLNC):c.622G>C (p.Ala208Pro)

Gene: FLNC (filamin C; plus strand). Cytogenetic location: 7q32.1.
Variant type: single nucleotide variant.
Coding change: c.622G>C on transcript NM_001458.5 (MANE Select); coding-DNA position 622, G replaced by C.
Protein change: p.Ala208Pro; replaces alanine 208 with proline.
Molecular consequence: missense variant.
Genome position (GRCh38, 1-based): chr7:128,837,180, G>C. VCF-style: chr7-128837180-G-C. GRCh37 (hg19) VCF-style: chr7-128477234-G-C.
Other names: c.622G>C, p.Ala208Pro (NM_001127487.2); short protein forms A208P.
Identifiers: ClinVar variation 2953200 (VCV002953200.3), dbSNP rs2536617510, ClinGen allele CA369220991.

ClinVar aggregate classification (germline): Uncertain significance (1 of 4 stars; one submission).

Conditions:
Hypertrophic cardiomyopathy 26. Also called: Cardiomyopathy, familial hypertrophic, 26. Identifiers: Orphanet 75249, MedGen C4310749, MONDO:0014883, OMIM 617047.
Myofibrillar myopathy 5. Also called: Filaminopathy (type); FILAMINOPATHY, AUTOSOMAL DOMINANT. Identifiers: Orphanet 171445, MedGen C1836050, MONDO:0012289, OMIM 609524.
Distal myopathy with posterior leg and anterior hand involvement. Also called: WILLIAMS DISTAL MYOPATHY. Identifiers: Orphanet 63273, MedGen C3279722, MONDO:0013550, OMIM 614065.

Submission:

Labcorp Genetics (formerly Invitae), Labcorp
Classification: Uncertain significance for Distal myopathy with posterior leg and anterior hand involvement; Myofibrillar myopathy 5; Hypertrophic cardiomyopathy 26. Last evaluated: 2024-03-04. Review status: criteria provided, single submitter. Criteria: Invitae Variant Classification Sherloc (09022015). Collection method: clinical testing. Allele origin: germline.
Comment: This sequence change replaces alanine, which is neutral and non-polar, with proline, which is neutral and non-polar, at codon 208 of the FLNC protein (p.Ala208Pro). This variant is not present in population databases (gnomAD no frequency). This variant has not been reported in the literature in individuals affected with FLNC-related conditions. Advanced modeling of protein sequence and biophysical properties (such as structural, functional, and spatial information, amino acid conservation, physicochemical variation, residue mobility, and thermodynamic stability) has been performed at Invitae for this missense variant, however the output from this modeling did not meet the statistical confidence thresholds required to predict the impact of this variant on FLNC protein function. In summary, the available evidence is currently insufficient to determine the role of this variant in disease. Therefore, it has been classified as a Variant of Uncertain Significance.